The following is an entry in ClinVar:

Single allele

Variant type: Duplication.
Identifiers: ClinVar variation 157376 (VCV000157376.2).

ClinVar aggregate classification (germline): not provided (0 of 4 stars; one submission).

Conditions:
Normal pregnancy. Identifiers: MedGen C0232989.

Submission:

Institute of Molecular and Cell Biology, University of Tartu
No classification provided. Condition: Normal pregnancy. Review status: no classification provided. Collection method: case-control. Allele origin: unknown. Affected: yes. Study: Kasak2014.
Comment: The study aimed to determine the contribution of copy number variants in the genetic etiology of normal and complicated pregnancies. The samples represented (i) maternal blood DNA drawn from healthy pregnant women during 1st or 2nd trimester and (ii) maternal and paternal blood DNA drawn at term pregnancy cases representing normal and complicated gestations (severe preeclampsia, PE; gestational diabetes, GD; small-for-gestational age newborn, SGA; large-for-gestational age newborn, LGA). We performed CNV calling based on genome-wide genotyping dataset (Illumina HumanOmniExpress-24-v1 BeadChip) by applying three algorithms, QuantiSNP, GADA (Genome Alteration Detection Algorithm) and CNstream in parallel. The acquired CNV calls were merged with HD-CNV (Hotspot Detector for Copy Number Variants) program and only the CNVs predicted by at least two programs, were considered in subsequent analysis.

Literature cited by the submitters: PubMed 25666259.